The following is an entry in ClinVar:

NM_015272.5(RPGRIP1L):c.663G>T (p.Gln221His)

Gene: RPGRIP1L (RPGRIP1 like; minus strand). Cytogenetic location: 16q12.2.
Variant type: single nucleotide variant.
Coding change: c.663G>T on transcript NM_015272.5 (MANE Select); coding-DNA position 663, G replaced by T.
Protein change: p.Gln221His; replaces glutamine 221 with histidine.
Molecular consequence: missense variant.
Genome position (GRCh38, 1-based): chr16:53,686,546, C>A on the plus strand (G>T on the coding strand, the complement: RPGRIP1L is on the minus strand). VCF-style: chr16-53686546-C-A. GRCh37 (hg19) VCF-style: chr16-53720458-C-A.
Other names: c.663G>T, p.Gln221His (NM_001308334.3, NM_001330538.2, NM_001127897.4); c.663G>T (NM_015272.4); short protein forms Q221H.
Identifiers: ClinVar variation 1046529 (VCV001046529.6), dbSNP rs776104875, ClinGen allele CA8058051.

ClinVar aggregate classification (germline): Uncertain significance. Review status: criteria provided, multiple submitters, no conflicts (2 of 4 stars). 3 submissions from 3 submitters: Uncertain significance (2). 1 of the submissions does not count toward it. Last evaluated 2025-08-27.

Conditions:
Joubert syndrome. Also called: Familial aplasia of the vermis; JOUBERT-BOLTSHAUSER SYNDROME. Identifiers: Orphanet 475, MedGen C5979921, MONDO:0018772.
Meckel-Gruber syndrome. Also called: DYSENCEPHALIA SPLANCHNOCYSTICA; GRUBER SYNDROME; Dysencephalia splachnocystica. Identifiers: Orphanet 564, MedGen C0265215, MONDO:0018921.
RPGRIP1L-related disorder. Also called: RPGRIP1L-related disorders; RPGRIP1L-related condition. Identifiers: MedGen CN239416.

Allele frequency attached by ClinVar (database versions not stated): ExAC 0.00001; gnomAD exomes 0.00001 and 0.00004; TOPMed 0.00001; gnomAD 0.00003.
gnomAD v4.1: 67 of 1,613,582 alleles (0.0042%); highest among the groups gnomAD compares: Non-Finnish European, 0.0056%; no homozygotes.

Submissions (3):

PreventionGenetics, part of Exact Sciences
Classification: Uncertain significance for RPGRIP1L-related condition. Last evaluated: 2025-08-27. Review status: criteria provided, single submitter. Criteria: ACMG Guidelines, 2015. Collection method: clinical testing. Allele origin: germline.
Comment: The RPGRIP1L c.663G>T variant is predicted to result in the amino acid substitution p.Gln221His. To our knowledge, this variant has not been reported in the literature. This variant is reported in 0.0039% of alleles in individuals of European (Non-Finnish) descent in gnomAD. At this time, the clinical significance of this variant is uncertain due to the absence of conclusive functional and genetic evidence.

Labcorp Genetics (formerly Invitae), Labcorp
Classification: Uncertain significance for Joubert syndrome; Meckel-Gruber syndrome. Last evaluated: 2022-05-27. Review status: criteria provided, single submitter. Criteria: Invitae Variant Classification Sherloc (09022015). Collection method: clinical testing. Allele origin: germline.
Comment: This sequence change replaces glutamine, which is neutral and polar, with histidine, which is basic and polar, at codon 221 of the RPGRIP1L protein (p.Gln221His). This variant is present in population databases (rs776104875, gnomAD 0.004%). This variant has not been reported in the literature in individuals affected with RPGRIP1L-related conditions. ClinVar contains an entry for this variant (Variation ID: 1046529). Algorithms developed to predict the effect of missense changes on protein structure and function are either unavailable or do not agree on the potential impact of this missense change (SIFT: "Deleterious"; PolyPhen-2: "Benign"; Align-GVGD: "Class C0"). In summary, the available evidence is currently insufficient to determine the role of this variant in disease. Therefore, it has been classified as a Variant of Uncertain Significance.

Natera, Inc.
Classification: Uncertain significance for Joubert syndrome. Last evaluated: 2020-06-01. Review status: no assertion criteria provided. Collection method: clinical testing. Allele origin: germline. Not counted in ClinVar's aggregate classification.